The following is an entry in ClinVar:

NM_002340.6(LSS):c.968T>C (p.Ile323Thr)

Gene: LSS (lanosterol synthase; minus strand). Cytogenetic location: 21q22.3.
Variant type: single nucleotide variant.
Coding change: c.968T>C on transcript NM_002340.6 (MANE Select); coding-DNA position 968, T replaced by C.
Protein change: p.Ile323Thr; replaces isoleucine 323 with threonine.
Molecular consequence: missense variant.
Genome position (GRCh38, 1-based): chr21:46,215,223, A>G on the plus strand (T>C on the coding strand, the complement: LSS is on the minus strand). VCF-style: chr21-46215223-A-G. GRCh37 (hg19) VCF-style: chr21-47635137-A-G.
Other names: c.968T>C, p.Ile323Thr (NM_001001438.3); c.935T>C, p.Ile312Thr (NM_001145436.2); c.728T>C, p.Ile243Thr (NM_001145437.2); short protein forms I243T, I312T, I323T.
Identifiers: ClinVar variation 4742092 (VCV004742092.1).

ClinVar aggregate classification (germline): Uncertain significance (1 of 4 stars; one submission).

gnomAD v4.1: 14 of 1,611,286 alleles (0.00087%); highest among the groups gnomAD compares: Admixed American, 0.013%; no homozygotes.

Submission:

Labcorp Genetics (formerly Invitae), Labcorp
Classification: Uncertain significance. Last evaluated: 2025-10-07. Review status: criteria provided, single submitter. Criteria: Invitae Variant Classification Sherloc (09022015). Collection method: clinical testing. Allele origin: germline.
Comment: This sequence change replaces isoleucine, which is neutral and non-polar, with threonine, which is neutral and polar, at codon 323 of the LSS protein (p.Ile323Thr). This variant is present in population databases (rs576764305, gnomAD 0.01%). This missense change has been observed in individual(s) with clinical features of LSS-related conditions (PMID: 37029088). An algorithm developed to predict the effect of missense changes on protein structure and function (PolyPhen-2) suggests that this variant is likely to be disruptive. In summary, the available evidence is currently insufficient to determine the role of this variant in disease. Therefore, it has been classified as a Variant of Uncertain Significance.

Literature cited by the submitters: PubMed 37029088.